The following is an entry in ClinVar:

NM_000081.4(LYST):c.3729T>G (p.Ser1243=)

Gene: LYST (lysosomal trafficking regulator; minus strand). Cytogenetic location: 1q42.3.
Variant type: single nucleotide variant.
Coding change: c.3729T>G on transcript NM_000081.4 (MANE Select); coding-DNA position 3729, T replaced by G.
Protein change: p.Ser1243=; no amino-acid change (serine 1243 retained).
Molecular consequence: synonymous variant.
Genome position (GRCh38, 1-based): chr1:235,801,081, A>C on the plus strand (T>G on the coding strand, the complement: LYST is on the minus strand). VCF-style: chr1-235801081-A-C. GRCh37 (hg19) VCF-style: chr1-235964381-A-C.
Other names: c.3729T>G, p.Ser1243= (NM_001301365.1).
Identifiers: ClinVar variation 4689422 (VCV004689422.1).
Genomic context (GRCh38, chr1:235,801,081, plus strand): 5'-TTGAGTGAGGTTTTCGAGTAAGTCATTTGGACTGCTTGATGCACTGAAACCTTCTGTTTC[A>C]GACTTTAAGTCTACCCCTGAAAAGAGAAAAGCGAAAGATTACTTGTATTCCCTAAACACT-3'
Protein context (NP_000072.2, residues 1233-1253): ETQDDGVDLK[Ser1243=]ETEGFSASSS

ClinVar aggregate classification (germline): Likely benign (1 of 4 stars; one submission).

Submission:

Women's Health and Genetics/Laboratory Corporation of America, LabCorp
Classification: Likely benign. Last evaluated: 2026-01-13. Review status: criteria provided, single submitter. Criteria: LabCorp Variant Classification Summary - May 2015. Collection method: clinical testing. Allele origin: germline.
Comment: Variant summary: LYST c.3729T>G results in a synonymous change. Consensus agreement among computation tools predict no significant impact on normal splicing. However, these predictions have yet to be confirmed by functional studies. The variant was absent in 250550 control chromosomes. The available data on variant occurrences in the general population are insufficient to allow any conclusion about variant significance. To our knowledge, no occurrence of c.3729T>G in individuals affected with LYST-related conditions and no experimental evidence demonstrating its impact on protein function have been reported. No submitters have cited clinical-significance assessments for this variant to ClinVar. Based on the evidence outlined above, the variant was classified as likely benign.